The following is an entry in ClinVar:

ClinVar aggregate classification (germline): Uncertain significance (1 of 4 stars; one submission).

Submission:

GeneDx
Classification: Uncertain significance. Last evaluated: 2023-05-25. Review status: criteria provided, single submitter. Criteria: GeneDx Variant Classification Process June 2021. Collection method: clinical testing. Allele origin: germline. Affected: yes.
Comment: Not observed at significant frequency in large population cohorts (gnomAD); In silico analysis supports that this missense variant does not alter protein structure/function; Has not been previously published as pathogenic or benign to our knowledge

NM_001378609.3(OTOGL):c.2455T>C (p.Ser819Pro)

Gene: OTOGL (otogelin like; plus strand). Cytogenetic location: 12q21.31.
Variant type: single nucleotide variant.
Coding change: c.2455T>C on transcript NM_001378609.3 (MANE Select); coding-DNA position 2455, T replaced by C.
Protein change: p.Ser819Pro; replaces serine 819 with proline.
Molecular consequence: missense variant.
Genome position (GRCh38, 1-based): chr12:80,267,317, T>C. VCF-style: chr12-80267317-T-C. GRCh37 (hg19) VCF-style: chr12-80661097-T-C.
Other names: c.2455T>C, p.Ser819Pro (NM_001368062.3, NM_001378610.3, NM_173591.7); short protein forms S819P.
Identifiers: ClinVar variation 3252797 (VCV003252797.1), dbSNP rs2541057419.